The following is an entry in ClinVar:

NM_020975.6(RET):c.874G>T (p.Val292Leu)

Gene: RET (ret proto-oncogene; plus strand). Cytogenetic location: 10q11.21.
Variant type: single nucleotide variant.
Coding change: c.874G>T on transcript NM_020975.6 (MANE Select); coding-DNA position 874, G replaced by T.
Protein change: p.Val292Leu; replaces valine 292 with leucine.
Molecular consequence: missense variant.
Genome position (GRCh38, 1-based): chr10:43,106,382, G>T. VCF-style: chr10-43106382-G-T. GRCh37 (hg19) VCF-style: chr10-43601830-G-T.
Other names: c.874G>T, p.Val292Leu (NM_000323.2, NM_001406743.1, NM_001406744.1 and 6 more transcripts); c.112G>T, p.Val38Leu (NM_001355216.2); c.745G>T, p.Val249Leu (NM_001406761.1, NM_001406762.1, NM_001406764.1 and 1 more transcripts); c.586G>T, p.Val196Leu (NM_001406766.1, NM_001406767.1, NM_001406770.1); short protein forms V292L, V38L, V196L, V249L.
Identifiers: ClinVar variation 1764535 (VCV001764535.6), dbSNP rs34682185, ClinGen allele CA376545638.

ClinVar aggregate classification (germline): Uncertain significance. Review status: criteria provided, multiple submitters, no conflicts (2 of 4 stars). 2 submissions from 2 submitters: Uncertain significance (2). Last evaluated 2025-07-30.

Conditions:
Multiple endocrine neoplasia, type 2 (MEN2). Identifiers: Orphanet 653, MedGen C4048306, MONDO:0019003. Disease mechanism: gain of function.
Hereditary cancer-predisposing syndrome. Also called: Neoplastic Syndromes, Hereditary; Tumor predisposition; Hereditary Cancer Syndrome; Hereditary neoplastic syndrome. Identifiers: Orphanet 140162, MedGen C0027672, MeSH D009386, MONDO:0015356.

gnomAD v4.1: 1 of 1,610,770 alleles (0.000062%); highest among the groups gnomAD compares: East Asian, 0.0022%; no homozygotes.

Submissions (2):

Labcorp Genetics (formerly Invitae), Labcorp
Classification: Uncertain significance for Multiple endocrine neoplasia, type 2. Last evaluated: 2025-07-30. Review status: criteria provided, single submitter. Criteria: Invitae Variant Classification Sherloc (09022015). Collection method: clinical testing. Allele origin: germline.
Comment: This sequence change replaces valine, which is neutral and non-polar, with leucine, which is neutral and non-polar, at codon 292 of the RET protein (p.Val292Leu). This variant is not present in population databases (gnomAD no frequency). This variant has not been reported in the literature in individuals affected with RET-related conditions. ClinVar contains an entry for this variant (Variation ID: 1764535). An algorithm developed to predict the effect of missense changes on protein structure and function (PolyPhen-2) suggests that this variant is likely to be disruptive. In summary, the available evidence is currently insufficient to determine the role of this variant in disease. Therefore, it has been classified as a Variant of Uncertain Significance.

Ambry Genetics
Classification: Uncertain significance for Hereditary cancer-predisposing syndrome. Last evaluated: 2024-07-03. Review status: criteria provided, single submitter. Criteria: Ambry Variant Classification Scheme 2023. Collection method: clinical testing. Allele origin: germline.
Comment: The p.V292L variant (also known as c.874G>T), located in coding exon 5 of the RET gene, results from a G to T substitution at nucleotide position 874. The valine at codon 292 is replaced by leucine, an amino acid with highly similar properties. This amino acid position is highly conserved in available vertebrate species. In addition, the in silico prediction for this alteration is inconclusive. Based on the available evidence, the clinical significance of this variant remains unclear.